The following is an entry in ClinVar:

ClinVar aggregate classification (germline): Uncertain significance (1 of 4 stars; one submission).

Conditions:
Renal carnitine transport defect (CDSP). Also called: Carnitine Deficiency, Systemic; CARNITINE DEFICIENCY, SYSTEMIC, DUE TO DEFECT IN RENAL REABSORPTION OF CARNITINE; CARNITINE TRANSPORTER, PLASMA-MEMBRANE, DEFICIENCY OF; CARNITINE UPTAKE DEFECT; Carnitine transporter deficiency; Systemic primary carnitine deficiency disease. Identifiers: Orphanet 158, MedGen C0342788, MONDO:0008919, OMIM 212140.

Submission:

Labcorp Genetics (formerly Invitae), Labcorp
Classification: Uncertain significance for Renal carnitine transport defect. Last evaluated: 2025-07-24. Review status: criteria provided, single submitter. Criteria: Invitae Variant Classification Sherloc (09022015). Collection method: clinical testing. Allele origin: germline.
Comment: This sequence change replaces leucine, which is neutral and non-polar, with valine, which is neutral and non-polar, at codon 37 of the SLC22A5 protein (p.Leu37Val). This variant is not present in population databases (gnomAD no frequency). This variant has not been reported in the literature in individuals affected with SLC22A5-related conditions. ClinVar contains an entry for this variant (Variation ID: 203934). Invitae Evidence Modeling of protein sequence and biophysical properties (such as structural, functional, and spatial information, amino acid conservation, physicochemical variation, residue mobility, and thermodynamic stability) has been performed for this missense variant. However, the output from this modeling did not meet the statistical confidence thresholds required to predict the impact of this variant on SLC22A5 protein function. In summary, the available evidence is currently insufficient to determine the role of this variant in disease. Therefore, it has been classified as a Variant of Uncertain Significance.

NM_003060.4(SLC22A5):c.109C>G (p.Leu37Val)

Gene: SLC22A5 (solute carrier family 22 member 5; plus strand). Cytogenetic location: 5q31.1.
Variant type: single nucleotide variant.
Coding change: c.109C>G on transcript NM_003060.4 (MANE Select); coding-DNA position 109, C replaced by G.
Protein change: p.Leu37Val; replaces leucine 37 with valine.
Molecular consequence: missense variant.
Genome position (GRCh38, 1-based): chr5:132,370,081, C>G. VCF-style: chr5-132370081-C-G. GRCh37 (hg19) VCF-style: chr5-131705773-C-G.
Other names: c.109C>G, p.Leu37Val (NM_001308122.2); short protein forms L37V.
Identifiers: ClinVar variation 203934 (VCV000203934.5), dbSNP rs796052037, ClinGen allele CA312964.